The following is an entry in ClinVar:

ClinVar aggregate classification (germline): Pathogenic (1 of 4 stars; one submission).

Conditions:
Duchenne muscular dystrophy (DMD). Also called: MUSCULAR DYSTROPHY, PSEUDOHYPERTROPHIC PROGRESSIVE, DUCHENNE TYPE; Duchenne Muscular Dystrophy (DMD). Identifiers: Orphanet 98896, MedGen C0013264, MONDO:0010679, OMIM 310200.

Submission:

Labcorp Genetics (formerly Invitae), Labcorp
Classification: Pathogenic for Duchenne muscular dystrophy. Last evaluated: 2023-02-10. Review status: criteria provided, single submitter. Criteria: Invitae Variant Classification Sherloc (09022015). Collection method: clinical testing. Allele origin: unknown.
Comment: This variant results in a copy number gain of the genomic region encompassing exon(s) 18 of the DMD gene. While the exact position of this variant cannot be determined from the data, sub-genic copy number gains are generally in tandem (PMID: 25640679). This variant is predicted to be out-of-frame, and may result in an absent or disrupted protein product. Loss-of-function variants in DMD are known to be pathogenic (PMID: 16770791, 25007885). A similar copy number variant has been observed in individuals with dystrophinopathy (PMID: 17259292, 19937601). For these reasons, this variant has been classified as Pathogenic.

Literature cited by the submitters: PubMed 25640679; PubMed 16770791; PubMed 25007885; PubMed 17259292; PubMed 19937601.

NC_000023.10:g.(?_32536105)_(32536268_?)dup

Gene: DMD (dystrophin; minus strand). Cytogenetic location: Xp21.1.
Variant type: Duplication.
Identifiers: ClinVar variation 3242668 (VCV003242668.1).